The following is an entry in ClinVar:

NM_001267550.2(TTN):c.7556T>G (p.Val2519Gly)

Gene: TTN (titin; minus strand). Cytogenetic location: 2q31.2.
Variant type: single nucleotide variant.
Coding change: c.7556T>G on transcript NM_001267550.2 (MANE Select); coding-DNA position 7556, T replaced by G.
Protein change: p.Val2519Gly; replaces valine 2519 with glycine.
Molecular consequence: missense variant.
Genome position (GRCh38, 1-based): chr2:178,773,500, A>C on the plus strand (T>G on the coding strand, the complement: TTN is on the minus strand). VCF-style: chr2-178773500-A-C. GRCh37 (hg19) VCF-style: chr2-179638227-A-C.
Other names: c.7556T>G, p.Val2519Gly (NM_133378.4, NM_001256850.1, NM_133379.5); c.7418T>G, p.Val2473Gly (NM_003319.4, NM_133432.3, NM_133437.4); short protein forms V2519G, V2473G.
Identifiers: ClinVar variation 229528 (VCV000229528.5), dbSNP rs372361514, ClinGen allele CA10576571.

ClinVar aggregate classification (germline): Uncertain significance (1 of 4 stars; one submission).

gnomAD v4.1: 1 of 1,614,042 alleles (0.000062%); highest among the groups gnomAD compares: Non-Finnish European, 0.000085%; no homozygotes.

Submission:

Laboratory for Molecular Medicine, Mass General Brigham Personalized Medicine
Classification: Uncertain significance. Last evaluated: 2015-04-04. Review status: criteria provided, single submitter. Criteria: LMM Criteria. Collection method: clinical testing. Allele origin: germline. Observed: 1 variant allele.
Comment: The p.Val2519Gly variant in TTN has not been previously reported in individuals with cardiomyopathy or in large population studies. Computational prediction too ls and conservation analysis do not provide strong support for or against an imp act to the protein. In summary, the clinical significance of the p.Val2519Gly va riant is uncertain.